The following is an entry in ClinVar:

NM_003000.3(SDHB):c.130A>T (p.Ile44Phe)

Gene: SDHB (succinate dehydrogenase complex iron sulfur subunit B; minus strand). Cytogenetic location: 1p36.13.
Variant type: single nucleotide variant.
Coding change: c.130A>T on transcript NM_003000.3 (MANE Select); coding-DNA position 130, A replaced by T.
Protein change: p.Ile44Phe; replaces isoleucine 44 with phenylalanine.
Molecular consequence: missense variant.
Genome position (GRCh38, 1-based): chr1:17,044,831, T>A on the plus strand (A>T on the coding strand, the complement: SDHB is on the minus strand). VCF-style: chr1-17044831-T-A. GRCh37 (hg19) VCF-style: chr1-17371326-T-A.
Other names: c.130A>T, p.Ile44Phe (NM_001407361.1); short protein forms I44F.
Identifiers: ClinVar variation 3158929 (VCV003158929.2), dbSNP rs200418115, ClinGen allele CA338228141.
Genomic context (GRCh38, chr1:17,044,831, plus strand): 5'-CAACTTCATAAGTCTGCATATGAGGTTTGTCTCCAGCCTTGTCTGGGTCCCATCGATAGA[T>A]GGCAAATTTCTTGATACGGGGAGCTGTGGCTGCAGCTGTCTGGGCTCCTCGGGAGGCCTG-3'
Protein context (NP_002991.2, residues 34-54): ATAPRIKKFA[Ile44Phe]YRWDPDKAGD

ClinVar aggregate classification (germline): Uncertain significance. Review status: criteria provided, multiple submitters, no conflicts (2 of 4 stars). 2 submissions from 2 submitters: Uncertain significance (2). Last evaluated 2025-08-26.

Conditions:
Pheochromocytoma. Also called: MAX-Related Hereditary Paraganglioma-Pheochromocytoma Syndrome. Identifiers: Orphanet 29072, MedGen C0031511, MONDO:0008233, OMIM 171300, HP:0002666.
Gastrointestinal stromal tumor. Also called: Gastrointestinal stromal tumor, somatic; Gastrointestinal stroma tumor. Identifiers: Orphanet 44890, MedGen C0238198, MeSH D046152, MONDO:0011719, OMIM 606764, HP:0100723.
Pheochromocytoma/paraganglioma syndrome 4. Also called: CAROTID BODY TUMORS AND MULTIPLE EXTRAADRENAL PHEOCHROMOCYTOMAS; PARAGANGLIOMA, FAMILIAL MALIGNANT; PARAGANGLIOMAS, HEREDITARY EXTRAADRENAL; PHEOCHROMOCYTOMA, FAMILIAL EXTRAADRENAL; Paragangliomas 4; SDHB-Related Hereditary Paraganglioma-Pheochromocytoma Syndrome (Paragangliomas 4). Identifiers: Orphanet 29072, MedGen C1861848, MONDO:0007273, OMIM 115310.
Hereditary cancer-predisposing syndrome. Also called: Neoplastic Syndromes, Hereditary; Tumor predisposition; Hereditary Cancer Syndrome; Hereditary neoplastic syndrome. Identifiers: Orphanet 140162, MedGen C0027672, MeSH D009386, MONDO:0015356.

Submissions (2):

Labcorp Genetics (formerly Invitae), Labcorp
Classification: Uncertain significance for Gastrointestinal stromal tumor; Pheochromocytoma/paraganglioma syndrome 4; Pheochromocytoma. Last evaluated: 2025-08-26. Review status: criteria provided, single submitter. Criteria: Invitae Variant Classification Sherloc (09022015). Collection method: clinical testing. Allele origin: germline.
Comment: This sequence change replaces isoleucine, which is neutral and non-polar, with phenylalanine, which is neutral and non-polar, at codon 44 of the SDHB protein (p.Ile44Phe). This variant is not present in population databases (gnomAD no frequency). This missense change has been observed in individual(s) with paraganglioma (internal data). ClinVar contains an entry for this variant (Variation ID: 3158929). Invitae Evidence Modeling of protein sequence and biophysical properties (such as structural, functional, and spatial information, amino acid conservation, physicochemical variation, residue mobility, and thermodynamic stability) indicates that this missense variant is expected to disrupt SDHB protein function with a positive predictive value of 80%. This variant disrupts the p.Ile44 amino acid residue in SDHB. Other variant(s) that disrupt this residue have been observed in individuals with SDHB-related conditions (PMID: 22160509; internal data), which suggests that this may be a clinically significant amino acid residue. In summary, the available evidence is currently insufficient to determine the role of this variant in disease. Therefore, it has been classified as a Variant of Uncertain Significance.

Ambry Genetics
Classification: Uncertain significance for Hereditary cancer-predisposing syndrome. Last evaluated: 2023-10-20. Review status: criteria provided, single submitter. Criteria: Ambry Variant Classification Scheme 2023. Collection method: clinical testing. Allele origin: germline.

Literature cited by the submitters: PubMed 22160509 (cited by Labcorp Genetics (formerly Invitae), Labcorp).